The following is an entry in ClinVar:

ClinVar aggregate classification (germline): Likely benign (1 of 4 stars; one submission).

Conditions:
CTSC-related disorder. Also called: CTSC-related condition; CTSC-related disorders. Identifiers: MedGen CN375926, MONDO:0800465.

gnomAD v4.1: 293 of 1,544,038 alleles (0.019%); highest among the groups gnomAD compares: African/African-American, 0.093%; no homozygotes.

Submission:

PreventionGenetics, part of Exact Sciences
Classification: Likely benign for CTSC-related condition. Last evaluated: 2025-06-13. Review status: criteria provided, single submitter. Criteria: ACMG Guidelines, 2015. Collection method: clinical testing. Allele origin: germline.
Comment: This variant is classified as likely benign based on ACMG/AMP sequence variant interpretation guidelines (Richards et al. 2015 PMID: 25741868, with internal and published modifications).

NM_001814.6(CTSC):c.-57G>T

Genes: CTSC (cathepsin C; minus strand), LOC130006572 (ATAC-STARR-seq lymphoblastoid active region 5382; plus strand). Cytogenetic location: 11q14.2.
Variant type: single nucleotide variant.
Coding change: c.-57G>T on transcript NM_001814.6 (MANE Select); 57 bases upstream of the start codon, G replaced by T.
Molecular consequence: 5 prime UTR variant.
Genome position (GRCh38, 1-based): chr11:88,337,729, C>A on the plus strand (G>T on the coding strand, the complement: CTSC is on the minus strand). VCF-style: chr11-88337729-C-A. GRCh37 (hg19) VCF-style: chr11-88070897-C-A.
Other names: c.-57G>T (NM_001114173.3, NM_148170.5).
Identifiers: ClinVar variation 4985954 (VCV004985954.1).